The following is an entry in ClinVar:

NM_020806.5(GPHN):c.1234C>T (p.Arg412Ter)

Gene: GPHN (gephyrin; plus strand). Cytogenetic location: 14q23.3.
Variant type: single nucleotide variant.
Coding change: c.1234C>T on transcript NM_020806.5 (MANE Select); coding-DNA position 1234, C replaced by T.
Protein change: p.Arg412Ter; replaces arginine 412 with a stop codon.
Molecular consequence: nonsense.
Genome position (GRCh38, 1-based): chr14:67,089,072, C>T. VCF-style: chr14-67089072-C-T. GRCh37 (hg19) VCF-style: chr14-67555789-C-T.
Other names: c.1135C>T, p.Arg379Ter (NM_001024218.2); c.1294C>T, p.Arg432Ter (NM_001377514.1); c.1264C>T, p.Arg422Ter (NM_001377515.1); c.1255C>T, p.Arg419Ter (NM_001377516.1); c.1207C>T, p.Arg403Ter (NM_001377517.1); c.1192C>T, p.Arg398Ter (NM_001377518.1); c.1174C>T, p.Arg392Ter (NM_001377519.1); short protein forms R392*, R419*, R398*, R422*, R432*, R379*, R403*, R412*.
Identifiers: ClinVar variation 1454068 (VCV001454068.6), dbSNP rs2153668310, ClinGen allele CA390257350.

ClinVar aggregate classification (germline): Pathogenic (1 of 4 stars; one submission).

Conditions:
Sulfite oxidase deficiency due to molybdenum cofactor deficiency type C. Also called: Molybdenum cofactor deficiency, complementation group C; Molybdenum cofactor deficiency C. Identifiers: Orphanet 308400, Orphanet 833, MedGen C1854990, MONDO:0014212, OMIM 615501.

Submission:

Labcorp Genetics (formerly Invitae), Labcorp
Classification: Pathogenic for Sulfite oxidase deficiency due to molybdenum cofactor deficiency type C. Last evaluated: 2021-10-05. Review status: criteria provided, single submitter. Criteria: Invitae Variant Classification Sherloc (09022015). Collection method: clinical testing. Allele origin: germline.
Comment: For these reasons, this variant has been classified as Pathogenic. This variant has not been reported in the literature in individuals affected with GPHN-related conditions. This variant is not present in population databases (ExAC no frequency). This sequence change creates a premature translational stop signal (p.Arg412*) in the GPHN gene. It is expected to result in an absent or disrupted protein product. Loss-of-function variants in GPHN are known to be pathogenic (PMID: 11095995, 23184456, 23393157).

Literature cited by the submitters: PubMed 11095995; PubMed 23184456; PubMed 23393157.